The following is an entry in ClinVar:

NC_000001.11:g.(?_75724778)_(75762773_?)del

Gene: ACADM (acyl-CoA dehydrogenase medium chain; plus strand). Cytogenetic location: 1p31.1.
Variant type: Deletion.
Identifiers: ClinVar variation 831248 (VCV000831248.1).

ClinVar aggregate classification (germline): Pathogenic (1 of 4 stars; one submission).

Conditions:
Medium-chain acyl-coenzyme A dehydrogenase deficiency (ACADMD). Also called: CARNITINE DEFICIENCY SECONDARY TO MEDIUM-CHAIN ACYL-CoA DEHYDROGENASE DEFICIENCY; Medium chain acyl-CoA dehydrogenase deficiency; MCADD; MCADH DEFICIENCY; MCAD Deficiency; ACADM DEFICIENCY. Identifiers: Orphanet 42, MedGen C0220710, MONDO:0008721, OMIM 201450.

Submission:

Labcorp Genetics (formerly Invitae), Labcorp
Classification: Pathogenic for Medium-chain acyl-coenzyme A dehydrogenase deficiency. Last evaluated: 2019-05-20. Review status: criteria provided, single submitter. Criteria: Invitae Variant Classification Sherloc (09022015). Collection method: clinical testing. Allele origin: germline.
Comment: A gross deletion of the genomic region encompassing the full coding sequence of the ACADM gene has been identified. The boundaries of this event are unknown as the deletion extends beyond the assayed region for this gene and therefore may encompass additional genes. This variant has not been reported in the literature in individuals with ACADM-related conditions. Loss-of-function variants in ACADM are known to be pathogenic (PMID: 16121256, 20434380). For these reasons, this variant has been classified as Pathogenic.